The following is an entry in ClinVar:

ClinVar aggregate classification (germline): Uncertain significance (1 of 4 stars; one submission).

Allele frequency attached by ClinVar (database versions not stated): gnomAD 0.00001; gnomAD exomes 0.00001; TOPMed 0.00002.
gnomAD v4.1: 12 of 1,609,024 alleles (0.00075%); highest among the groups gnomAD compares: Middle Eastern, 0.016%; no homozygotes.

Submission:

Labcorp Genetics (formerly Invitae), Labcorp
Classification: Uncertain significance. Last evaluated: 2021-10-07. Review status: criteria provided, single submitter. Criteria: Invitae Variant Classification Sherloc (09022015). Collection method: clinical testing. Allele origin: germline.
Comment: This sequence change falls in intron 16 of the TONSL gene. It does not directly change the encoded amino acid sequence of the TONSL protein. It affects a nucleotide within the consensus splice site of the intron. This variant is not present in population databases (ExAC no frequency). This variant has not been reported in the literature in individuals affected with TONSL-related conditions. Variants that disrupt the consensus splice site are a relatively common cause of aberrant splicing (PMID: 17576681, 9536098). Algorithms developed to predict the effect of sequence changes on RNA splicing suggest that this variant is not likely to affect RNA splicing. In summary, the available evidence is currently insufficient to determine the role of this variant in disease. Therefore, it has been classified as a Variant of Uncertain Significance.

Literature cited by the submitters: PubMed 17576681; PubMed 9536098.

NM_013432.5(TONSL):c.2014+5G>A

Genes: TONSL (tonsoku like, DNA repair protein; minus strand), TONSL-AS1 (TONSL antisense RNA 1; plus strand). Cytogenetic location: 8q24.3.
Variant type: single nucleotide variant.
Coding change: c.2014+5G>A on transcript NM_013432.5 (MANE Select); 5 bases into the intron after coding-DNA position 2014, G replaced by A.
Molecular consequence: intron variant.
Genome position (GRCh38, 1-based): chr8:144,436,553, C>T on the plus strand (G>A on the coding strand, the complement: TONSL is on the minus strand). VCF-style: chr8-144436553-C-T. GRCh37 (hg19) VCF-style: chr8-145661936-C-T.
Identifiers: ClinVar variation 1484790 (VCV001484790.5), dbSNP rs916572486, ClinGen allele CA187668210.